The following is an entry in ClinVar:

NM_031935.3(HMCN1):c.7311A>G (p.Ser2437=)

Gene: HMCN1 (hemicentin 1; plus strand). Cytogenetic location: 1q31.1.
Variant type: single nucleotide variant.
Coding change: c.7311A>G on transcript NM_031935.3 (MANE Select); coding-DNA position 7311, A replaced by G.
Protein change: p.Ser2437=; no amino-acid change (serine 2437 retained).
Molecular consequence: synonymous variant.
Genome position (GRCh38, 1-based): chr1:186,057,400, A>G. VCF-style: chr1-186057400-A-G. GRCh37 (hg19) VCF-style: chr1-186026532-A-G.
Identifiers: ClinVar variation 2903709 (VCV002903709.3), dbSNP rs1657405582, ClinGen allele CA422329975.
Genomic context (GRCh38, chr1:186,057,400, plus strand): 5'-CATAACCTGGTTCAAAGATGGGTGGCCTGTCAGCCTTAGCAATTCTGTGAGGATTCTTTC[A>G]GGTATTAGAAATTCTGGTAGCCTTATAATCTTGTTAGCTTCATACGGCTACAATTTCTCC-3'
Protein context (NP_114141.2, residues 2427-2447): VSLSNSVRIL[Ser2437=]GGRMLRLMQT

ClinVar aggregate classification (germline): Uncertain significance (1 of 4 stars; one submission).

Allele frequency attached by ClinVar (database versions not stated): gnomAD exomes below 0.00001; gnomAD 0.00001; TOPMed 0.00003.
gnomAD v4.1: 4 of 1,600,770 alleles (0.00025%); highest among the groups gnomAD compares: Admixed American, 0.0033%; no homozygotes.

Submission:

Labcorp Genetics (formerly Invitae), Labcorp
Classification: Uncertain significance. Last evaluated: 2024-03-07. Review status: criteria provided, single submitter. Criteria: Invitae Variant Classification Sherloc (09022015). Collection method: clinical testing. Allele origin: germline.
Comment: This sequence change affects codon 2437 of the HMCN1 mRNA. It is a 'silent' change, meaning that it does not change the encoded amino acid sequence of the HMCN1 protein. It affects a nucleotide within the consensus splice site. This variant is not present in population databases (gnomAD no frequency). This variant has not been reported in the literature in individuals affected with HMCN1-related conditions. Algorithms developed to predict the effect of sequence changes on RNA splicing suggest that this variant may disrupt the consensus splice site. In summary, the available evidence is currently insufficient to determine the role of this variant in disease. Therefore, it has been classified as a Variant of Uncertain Significance.